The following is an entry in ClinVar:

Conditions:
Long QT syndrome 5 (LQT5). Identifiers: Orphanet 101016, Orphanet 768, MedGen C1867904, MONDO:0013372, OMIM 613695.

Submission:

Roden Lab, Vanderbilt University Medical Center
No classification provided (evidence only). Condition: Long QT syndrome 5. Review status: no classification provided. Collection method: in vitro. Allele origin: not applicable. Functional consequence: Effect on ion channel function.
ClinVar note: "not provided" was previously submitted as the classification for the variant. However, the classification appeared to be based only on an observation of functional data so it was converted to no classification on 2025-07-30.

NM_000219.6(KCNE1):c.381T>G (p.Pro127=)

Gene: KCNE1 (potassium voltage-gated channel subfamily E regulatory subunit 1; minus strand). Cytogenetic location: 21q22.12.
Variant type: single nucleotide variant.
Coding change: c.381T>G on transcript NM_000219.6 (MANE Select); coding-DNA position 381, T replaced by G.
Protein change: p.Pro127=; no amino-acid change (proline 127 retained).
Molecular consequence: synonymous variant.
Genome position (GRCh38, 1-based): chr21:34,449,254, A>C on the plus strand (T>G on the coding strand, the complement: KCNE1 is on the minus strand). VCF-style: chr21-34449254-A-C. GRCh37 (hg19) VCF-style: chr21-35821552-A-C.
Other names: c.381T>G, p.Pro127= (NM_001127668.4, NM_001127669.4, NM_001127670.4 and 4 more transcripts).
Identifiers: ClinVar variation 3373871 (VCV003373871.2).